The following is an entry in ClinVar:

ClinVar aggregate classification (germline): Uncertain significance. Review status: criteria provided, multiple submitters, no conflicts (2 of 4 stars). 5 submissions from 5 submitters: Uncertain significance (5). Last evaluated 2026-03-23.

Conditions:
Cardiovascular phenotype. Identifiers: MedGen CN230736.
Hypertrophic cardiomyopathy. Also called: HYPERTROPHIC MYOCARDIOPATHY. Identifiers: Orphanet 217569, MedGen C0007194, MeSH D002312, MONDO:0005045, HP:0001639.

Submissions (5):

Ambry Genetics
Classification: Uncertain significance for Cardiovascular phenotype. Last evaluated: 2026-03-23. Review status: criteria provided, single submitter. Criteria: Ambry Variant Classification Scheme 2023. Collection method: clinical testing. Allele origin: germline.
Comment: The p.A432P variant (also known as c.1294G>C), located in coding exon 15 of the MYBPC3 gene, results from a G to C substitution at nucleotide position 1294. The alanine at codon 432 is replaced by proline, an amino acid with highly similar properties. This amino acid position is conserved. In addition, this alteration is predicted to be deleterious by in silico analysis. Based on the available evidence, the clinical significance of this variant remains unclear.

Molecular Diagnostic Laboratory for Inherited Cardiovascular Disease, Montreal Heart Institute
Classification: Uncertain significance for Cardiovascular phenotype. Last evaluated: 2025-07-24. Review status: criteria provided, single submitter. Criteria: ACMG Guidelines, 2015. Collection method: clinical testing. Allele origin: germline. Affected: yes.
Comment: PM2

GeneDx
Classification: Uncertain significance. Last evaluated: 2025-01-21. Review status: criteria provided, single submitter. Criteria: GeneDx Variant Classification Process June 2021. Collection method: clinical testing. Allele origin: germline. Affected: yes.
Comment: Not observed at significant frequency in large population cohorts (gnomAD); In silico analysis supports that this missense variant has a deleterious effect on protein structure/function; This variant is associated with the following publications: (PMID: 37652022)

Labcorp Genetics (formerly Invitae), Labcorp
Classification: Uncertain significance for Hypertrophic cardiomyopathy. Last evaluated: 2024-07-15. Review status: criteria provided, single submitter. Criteria: Invitae Variant Classification Sherloc (09022015). Collection method: clinical testing. Allele origin: germline.
Comment: This sequence change replaces alanine, which is neutral and non-polar, with proline, which is neutral and non-polar, at codon 432 of the MYBPC3 protein (p.Ala432Pro). This variant is not present in population databases (gnomAD no frequency). This missense change has been observed in individual(s) with MYBPC3-related conditions (PMID: 37652022). ClinVar contains an entry for this variant (Variation ID: 1723656). An algorithm developed to predict the effect of missense changes on protein structure and function (PolyPhen-2) suggests that this variant is likely to be disruptive. In summary, the available evidence is currently insufficient to determine the role of this variant in disease. Therefore, it has been classified as a Variant of Uncertain Significance.

All of Us Research Program, National Institutes of Health
Classification: Uncertain significance for Hypertrophic cardiomyopathy. Last evaluated: 2023-10-23. Review status: criteria provided, single submitter. Criteria: ACMG Guidelines, 2015. Collection method: clinical testing. Allele origin: germline. Inheritance: Autosomal dominant inheritance. Observed: 1 variant allele, 1 heterozygote.
Comment: This missense variant replaces alanine with proline at codon 432 of the MYBPC3 protein. Computational prediction suggests that this variant may not impact protein structure and function (internally defined REVEL score threshold <= 0.5, PMID: 27666373). To our knowledge, functional studies have not been reported for this variant. This variant has not been reported in individuals affected with MYBPC3-related disorders in the literature. This variant has not been identified in the general population by the Genome Aggregation Database (gnomAD). The available evidence is insufficient to determine the role of this variant in disease conclusively. Therefore, this variant is classified as a Variant of Uncertain Significance.

This study involves interpretation of variants in research participants for the purpose of population health screening. Participant phenotype was not available at the time of variant classification. Additional details can be found in publication PMID: 35346344, PMCID: PMC8962531

Literature cited by the submitters: PubMed 37652022 (cited by Labcorp Genetics (formerly Invitae), Labcorp).

NM_000256.3(MYBPC3):c.1294G>C (p.Ala432Pro)

Gene: MYBPC3 (myosin binding protein C3; minus strand). Cytogenetic location: 11p11.2.
Variant type: single nucleotide variant.
Coding change: c.1294G>C on transcript NM_000256.3 (MANE Select); coding-DNA position 1294, G replaced by C.
Protein change: p.Ala432Pro; replaces alanine 432 with proline.
Molecular consequence: missense variant.
Genome position (GRCh38, 1-based): chr11:47,343,078, C>G on the plus strand (G>C on the coding strand, the complement: MYBPC3 is on the minus strand). VCF-style: chr11-47343078-C-G. GRCh37 (hg19) VCF-style: chr11-47364629-C-G.
Other names: short protein forms A432P.
Identifiers: ClinVar variation 1723656 (VCV001723656.9), dbSNP rs371167525, ClinGen allele CA380327259.
Genomic context (GRCh38, chr11:47,343,078, plus strand): 5'-CACCTTTCACAAAGAGCTCCGTGCTACACTTCTCGCCACCCACCACGCACTGGTAGGCTG[C>G]GTCGTCCGCCAATGAGCACTGGCTGATGGTCAGGGTACGCTTGGCACCGATGGACTCAAA-3'
Protein context (NP_000247.2, residues 422-442): TISQCSLADD[Ala432Pro]AYQCVVGGEK